The following is an entry in ClinVar:

ClinVar aggregate classification (germline): Uncertain significance. Review status: criteria provided, single submitter (1 of 4 stars). 2 submissions from 2 submitters: Uncertain significance (1). 1 of the submissions does not count toward it. Last evaluated 2016-05-16.

Conditions:
KNL1-related disorder. Also called: KNL1-related condition.

Allele frequency attached by ClinVar (database versions not stated): TOPMed 0.00005; ExAC 0.00008; gnomAD 0.00009; gnomAD exomes 0.00011.
gnomAD v4.1: 164 of 1,593,314 alleles (0.01%); highest among the groups gnomAD compares: Non-Finnish European, 0.011%; no homozygotes.

Submissions (2):

Eurofins Ntd Llc (ga)
Classification: Uncertain significance. Last evaluated: 2016-05-16. Review status: criteria provided, single submitter. Criteria: EGL Classification Definitions 2015. Collection method: clinical testing. Allele origin: germline. Observed: 1 variant allele, 1 heterozygote.

PreventionGenetics, part of Exact Sciences
Classification: Likely benign for KNL1-related condition. Last evaluated: 2019-09-11. Review status: no assertion criteria provided. Collection method: clinical testing. Allele origin: germline. Not counted in ClinVar's aggregate classification.
Comment: This variant is classified as likely benign based on ACMG/AMP sequence variant interpretation guidelines (Richards et al. 2015 PMID: 25741868, with internal and published modifications).

NM_144508.5(KNL1):c.606C>T (p.Ser202=)

Gene: KNL1 (kinetochore scaffold 1; plus strand). Cytogenetic location: 15q15.1.
Variant type: single nucleotide variant.
Coding change: c.606C>T on transcript NM_144508.5 (MANE Select); coding-DNA position 606, C replaced by T.
Protein change: p.Ser202=; no amino-acid change (serine 202 retained).
Molecular consequence: synonymous variant.
Genome position (GRCh38, 1-based): chr15:40,620,870, C>T. VCF-style: chr15-40620870-C-T. GRCh37 (hg19) VCF-style: chr15-40913068-C-T.
Other names: c.684C>T, p.Ser228= (NM_170589.5); c.684C>T (NM_170589.4).
Identifiers: ClinVar variation 287647 (VCV000287647.7), dbSNP rs776234628, ClinGen allele CA7482542.